The following is an entry in ClinVar:

NM_004006.3(DMD):c.10056G>T (p.Met3352Ile)

Gene: DMD (dystrophin; minus strand). Cytogenetic location: Xp21.2.
Variant type: single nucleotide variant.
Coding change: c.10056G>T on transcript NM_004006.3 (MANE Select); coding-DNA position 10056, G replaced by T.
Protein change: p.Met3352Ile; replaces methionine 3352 with isoleucine.
Molecular consequence: missense variant.
Genome position (GRCh38, 1-based): chrX:31,180,400, C>A on the plus strand (G>T on the coding strand, the complement: DMD is on the minus strand). VCF-style: chrX-31180400-C-A. GRCh37 (hg19) VCF-style: chrX-31198517-C-A.
Other names: c.10032G>T, p.Met3344Ile (NM_000109.4); c.10044G>T, p.Met3348Ile (NM_004009.3); c.9687G>T, p.Met3229Ile (NM_004010.3); c.6033G>T, p.Met2011Ile (NM_004011.4); c.6024G>T, p.Met2008Ile (NM_004012.4); c.2676G>T, p.Met892Ile (NM_004013.3, NM_004020.4, NM_004021.3 and 2 more transcripts); c.1869G>T, p.Met623Ile (NM_004014.3); c.852G>T, p.Met284Ile (NM_004015.3, NM_004016.3, NM_004017.3 and 2 more transcripts); short protein forms M2011I, M3229I, M3348I, M3344I, M3352I, M2008I, M284I, M623I.
Identifiers: ClinVar variation 3702093 (VCV003702093.2).

ClinVar aggregate classification (germline): Uncertain significance (1 of 4 stars; one submission).

Conditions:
Duchenne muscular dystrophy (DMD). Also called: MUSCULAR DYSTROPHY, PSEUDOHYPERTROPHIC PROGRESSIVE, DUCHENNE TYPE; Duchenne Muscular Dystrophy (DMD). Identifiers: Orphanet 98896, MedGen C0013264, MONDO:0010679, OMIM 310200.

Submission:

Labcorp Genetics (formerly Invitae), Labcorp
Classification: Uncertain significance for Duchenne muscular dystrophy. Last evaluated: 2024-10-03. Review status: criteria provided, single submitter. Criteria: Invitae Variant Classification Sherloc (09022015). Collection method: clinical testing. Allele origin: germline.
Comment: This sequence change replaces methionine, which is neutral and non-polar, with isoleucine, which is neutral and non-polar, at codon 3352 of the DMD protein (p.Met3352Ile). This variant is not present in population databases (gnomAD no frequency). This variant has not been reported in the literature in individuals affected with DMD-related conditions. Invitae Evidence Modeling of protein sequence and biophysical properties (such as structural, functional, and spatial information, amino acid conservation, physicochemical variation, residue mobility, and thermodynamic stability) indicates that this missense variant is not expected to disrupt DMD protein function with a negative predictive value of 95%. In summary, the available evidence is currently insufficient to determine the role of this variant in disease. Therefore, it has been classified as a Variant of Uncertain Significance.